The following is an entry in ClinVar:

NM_000123.4(ERCC5):c.3259T>A (p.Phe1087Ile)

Genes: BIVM-ERCC5 (BIVM-ERCC5 readthrough; plus strand), ERCC5 (ERCC excision repair 5, endonuclease; plus strand). Cytogenetic location: 13q33.1.
Variant type: single nucleotide variant.
Coding change: c.3259T>A on transcript NM_000123.4 (MANE Select); coding-DNA position 3259, T replaced by A.
Protein change: p.Phe1087Ile; replaces phenylalanine 1087 with isoleucine.
Molecular consequence: missense variant.
Genome position (GRCh38, 1-based): chr13:102,875,601, T>A. VCF-style: chr13-102875601-T-A. GRCh37 (hg19) VCF-style: chr13-103527951-T-A.
Other names: c.4621T>A, p.Phe1541Ile (NM_001204425.2); short protein forms F1087I, F1541I.
Identifiers: ClinVar variation 3713975 (VCV003713975.2).

ClinVar aggregate classification (germline): Uncertain significance (1 of 4 stars; one submission).

Submission:

Labcorp Genetics (formerly Invitae), Labcorp
Classification: Uncertain significance. Last evaluated: 2024-03-16. Review status: criteria provided, single submitter. Criteria: Invitae Variant Classification Sherloc (09022015). Collection method: clinical testing. Allele origin: germline.
Comment: This sequence change replaces phenylalanine, which is neutral and non-polar, with isoleucine, which is neutral and non-polar, at codon 1087 of the ERCC5 protein (p.Phe1087Ile). This variant is not present in population databases (gnomAD no frequency). This variant has not been reported in the literature in individuals affected with ERCC5-related conditions. An algorithm developed to predict the effect of missense changes on protein structure and function (PolyPhen-2) suggests that this variant is likely to be disruptive. In summary, the available evidence is currently insufficient to determine the role of this variant in disease. Therefore, it has been classified as a Variant of Uncertain Significance.